The following is an entry in ClinVar:

ClinVar aggregate classification (germline): Likely benign. Review status: criteria provided, multiple submitters, no conflicts (2 of 4 stars). 2 submissions from 2 submitters: Likely benign (2). Last evaluated 2025-08-18.

Conditions:
Hereditary sensory and autonomic neuropathy type 1 (HSAN1). Also called: HSAN 1; HSN Type I; Hereditary Sensory Neuropathy Type I. Identifiers: Orphanet 36386, MedGen C0020071, MONDO:0018213.
SPTLC1-related disorder. Also called: SPTLC1-related condition.

Allele frequency attached by ClinVar (database versions not stated): TOPMed 0.00014.
gnomAD v4.1: 84 of 1,613,772 alleles (0.0052%); highest among the groups gnomAD compares: East Asian, 0.13%; no homozygotes.

Submissions (2):

PreventionGenetics, part of Exact Sciences
Classification: Likely benign for SPTLC1-related condition. Last evaluated: 2025-08-18. Review status: criteria provided, single submitter. Criteria: ACMG Guidelines, 2015. Collection method: clinical testing. Allele origin: germline.
Comment: This variant is classified as likely benign based on ACMG/AMP sequence variant interpretation guidelines (Richards et al. 2015 PMID: 25741868, with internal and published modifications).

Labcorp Genetics (formerly Invitae), Labcorp
Classification: Likely benign for Hereditary sensory and autonomic neuropathy type 1. Last evaluated: 2025-08-03. Review status: criteria provided, single submitter. Criteria: Invitae Variant Classification Sherloc (09022015). Collection method: clinical testing. Allele origin: germline.

NM_006415.4(SPTLC1):c.452G>A (p.Arg151His)

Gene: SPTLC1 (serine palmitoyltransferase long chain base subunit 1; minus strand). Cytogenetic location: 9q22.31.
Variant type: single nucleotide variant.
Coding change: c.452G>A on transcript NM_006415.4 (MANE Select); coding-DNA position 452, G replaced by A.
Protein change: p.Arg151His; replaces arginine 151 with histidine.
Molecular consequence: missense variant. On other transcripts: 5 prime UTR variant (1).
Genome position (GRCh38, 1-based): chr9:92,068,074, C>T on the plus strand (G>A on the coding strand, the complement: SPTLC1 is on the minus strand). VCF-style: chr9-92068074-C-T. GRCh37 (hg19) VCF-style: chr9-94830356-C-T.
Other names: c.452G>A, p.Arg151His (NM_001281303.2); c.86G>A, p.Arg29His (NM_001368272.1); c.-14G>A (NM_001368273.1); short protein forms R29H, R151H.
Identifiers: ClinVar variation 705294 (VCV000705294.11), dbSNP rs45461899, ClinGen allele CA5121539.